The following is an entry in ClinVar:

ClinVar aggregate classification (germline): Uncertain significance. Review status: criteria provided, multiple submitters, no conflicts (2 of 4 stars). 2 submissions from 2 submitters: Uncertain significance (2). Last evaluated 2025-04-08.

Conditions:
Ellis-van Creveld syndrome (EVC). Also called: EVC2-Related Ellis-van Creveld Syndrome; EVC-Related Ellis-van Creveld Syndrome; Chondroectodermal dysplasia; MESOECTODERMAL DYSPLASIA. Identifiers: Orphanet 289, MedGen C0013903, MONDO:0009162, OMIM 225500.
Curry-Hall syndrome (WAD). Also called: WEYERS ACRODENTAL DYSOSTOSIS. Identifiers: Orphanet 952, MedGen C0457013, MONDO:0008673, OMIM 193530.
Inborn genetic diseases. Identifiers: MedGen C0950123, MeSH D030342.

Allele frequency attached by ClinVar (database versions not stated): TOPMed 0.00001.
gnomAD v4.1: 1 of 1,614,208 alleles (0.000062%); no homozygotes.

Submissions (2):

Ambry Genetics
Classification: Uncertain significance for Inborn genetic diseases. Last evaluated: 2025-04-08. Review status: criteria provided, single submitter. Criteria: Ambry Variant Classification Scheme 2023. Collection method: clinical testing. Allele origin: germline.

Labcorp Genetics (formerly Invitae), Labcorp
Classification: Uncertain significance for Curry-Hall syndrome; Ellis-van Creveld syndrome. Last evaluated: 2022-07-26. Review status: criteria provided, single submitter. Criteria: Invitae Variant Classification Sherloc (09022015). Collection method: clinical testing. Allele origin: germline.
Comment: This sequence change replaces isoleucine, which is neutral and non-polar, with threonine, which is neutral and polar, at codon 407 of the EVC2 protein (p.Ile407Thr). This variant is not present in population databases (gnomAD no frequency). This variant has not been reported in the literature in individuals affected with EVC2-related conditions. Algorithms developed to predict the effect of missense changes on protein structure and function are either unavailable or do not agree on the potential impact of this missense change (SIFT: "Deleterious"; PolyPhen-2: "Possibly Damaging"; Align-GVGD: "Class C0"). In summary, the available evidence is currently insufficient to determine the role of this variant in disease. Therefore, it has been classified as a Variant of Uncertain Significance.

NM_147127.5(EVC2):c.1220T>C (p.Ile407Thr)

Genes: EVC2 (EvC ciliary complex subunit 2; minus strand), LOC126806961 (BRD4-independent group 4 enhancer GRCh37_chr4:5641443-5642642; plus strand). Cytogenetic location: 4p16.2.
Variant type: single nucleotide variant.
Coding change: c.1220T>C on transcript NM_147127.5 (MANE Select); coding-DNA position 1220, T replaced by C.
Protein change: p.Ile407Thr; replaces isoleucine 407 with threonine.
Molecular consequence: missense variant.
Genome position (GRCh38, 1-based): chr4:5,640,764, A>G on the plus strand (T>C on the coding strand, the complement: EVC2 is on the minus strand). VCF-style: chr4-5640764-A-G. GRCh37 (hg19) VCF-style: chr4-5642491-A-G.
Other names: c.980T>C, p.Ile327Thr (NM_001166136.2); c.1220T>C (NM_147127.4); short protein forms I327T, I407T.
Identifiers: ClinVar variation 1713891 (VCV001713891.4), dbSNP rs1480693419, ClinGen allele CA356152289.
Genomic context (GRCh38, chr4:5,640,764, plus strand): 5'-TTTCTCTCTACTTGGGGTGAGAGGTGGCCACTGCTGGTGAGATTTTTCAGCAGAAGGGCA[A>G]TGATATCCTTGCTGATTTGTGTTCGACAAGCCTCCAGATCTGCATCTGCCCGATTCAGGG-3'
Protein context (NP_667338.3, residues 397-417): ACRTQISKDI[Ile407Thr]ALLLKNLTSS